The following is an entry in ClinVar:

ClinVar aggregate classification (germline): Likely benign. Review status: criteria provided, multiple submitters, no conflicts (2 of 4 stars). 3 submissions from 3 submitters: Likely benign (2). 1 of the submissions does not count toward it. Last evaluated 2025-10-19.

Conditions:
CARD14-related disorder. Also called: CARD14-related condition.
Pityriasis rubra pilaris (PRP). Also called: Pityriasis rubra pilaris--familial type. Identifiers: Orphanet 2897, MedGen C0032027, MONDO:0100017, OMIM 173200, MONDO:0008251.
Psoriasis 2. Identifiers: MedGen C1864497, MONDO:0011269, OMIM 602723.

Allele frequency attached by ClinVar (database versions not stated): TOPMed 0.00004; ESP Exome Variant Server 0.00008.
gnomAD v4.1: 71 of 1,559,790 alleles (0.0046%); highest among the groups gnomAD compares: Admixed American, 0.031%; no homozygotes.

Submissions (3):

Labcorp Genetics (formerly Invitae), Labcorp
Classification: Likely benign for Pityriasis rubra pilaris; Psoriasis 2. Last evaluated: 2025-10-19. Review status: criteria provided, single submitter. Criteria: Invitae Variant Classification Sherloc (09022015). Collection method: clinical testing. Allele origin: germline.

Blueprint Genetics
Classification: Likely benign. Last evaluated: 2024-09-30. Review status: criteria provided, single submitter. Criteria: ACMG Guidelines, 2015. Collection method: clinical testing. Allele origin: germline.

PreventionGenetics, part of Exact Sciences
Classification: Likely benign for CARD14-related condition. Last evaluated: 2024-01-11. Review status: no assertion criteria provided. Collection method: clinical testing. Allele origin: germline. Not counted in ClinVar's aggregate classification.
Comment: This variant is classified as likely benign based on ACMG/AMP sequence variant interpretation guidelines (Richards et al. 2015 PMID: 25741868, with internal and published modifications).

NM_001366385.1(CARD14):c.159C>T (p.Asp53=)

Gene: CARD14 (caspase recruitment domain family member 14; plus strand). Cytogenetic location: 17q25.3.
Variant type: single nucleotide variant.
Coding change: c.159C>T on transcript NM_001366385.1 (MANE Select); coding-DNA position 159, C replaced by T.
Protein change: p.Asp53=; no amino-acid change (aspartic acid 53 retained).
Molecular consequence: synonymous variant. On other transcripts: non-coding transcript variant (1).
Genome position (GRCh38, 1-based): chr17:80,181,597, C>T. VCF-style: chr17-80181597-C-T. GRCh37 (hg19) VCF-style: chr17-78155396-C-T.
Other names: c.159C>T, p.Asp53= (NM_001257970.1, NM_024110.4).
Identifiers: ClinVar variation 741003 (VCV000741003.14), dbSNP rs368565321, ClinGen allele CA8816341.
Genomic context (GRCh38, chr17:80,181,597, plus strand): 5'-CATCTGCCCCAGCCGCCTCACCCCCTACCTGCGCCAGGCCAAGGTGCTGTGCCAGCTGGA[C>T]GAGGAGGAGGTGCTGCACAGCCCCCGGCTCACCAACAGCGCCATGCGGGCCGGTGAGCGC-3'
Protein context (NP_001353314.1, residues 43-63): LRQAKVLCQL[Asp53=]EEEVLHSPRL